The following is an entry in ClinVar:

NM_000501.4(ELN):c.1484T>C (p.Val495Ala)

Genes: ELN (elastin; plus strand), ELN-AS1 (ELN antisense RNA 1; minus strand). Cytogenetic location: 7q11.23.
Variant type: single nucleotide variant.
Coding change: c.1484T>C on transcript NM_000501.4 (MANE Select); coding-DNA position 1484, T replaced by C.
Protein change: p.Val495Ala; replaces valine 495 with alanine.
Molecular consequence: missense variant. On other transcripts: non-coding transcript variant (1).
Genome position (GRCh38, 1-based): chr7:74,059,955, T>C. VCF-style: chr7-74059955-T-C. GRCh37 (hg19) VCF-style: chr7-73474285-T-C.
Other names: c.1397T>C, p.Val466Ala (NM_001081752.3); c.1442T>C, p.Val481Ala (NM_001081753.3); c.1499T>C, p.Val500Ala (NM_001081754.3); c.1427T>C, p.Val476Ala (NM_001081755.3); c.1484T>C, p.Val495Ala (NM_001278912.2); c.1241T>C, p.Val414Ala (NM_001278913.2); c.1412T>C, p.Val471Ala (NM_001278914.2); c.1502T>C, p.Val501Ala (NM_001278915.2); and 4 more; short protein forms V462A, V466A, V471A, V485A, V476A, V495A, V501A, V524A.
Identifiers: ClinVar variation 2822547 (VCV002822547.3), dbSNP rs1563852782, ClinGen allele CA367884999.
Genomic context (GRCh38, chr7:74,059,955, plus strand): 5'-CTGGTGTCGGCGTGGCTCCTGGAGTTGGCGTGGCTCCTGGTGTCGGTGTGGCTCCTGGAG[T>C]TGGCTTGGCTCCTGGAGTTGGCGTGGCTCCTGGAGTTGGTGTGGCTCCTGGCGTTGGCGT-3'
Protein context (NP_000492.2, residues 485-505): VAPGVGVAPG[Val495Ala]GLAPGVGVAP

ClinVar aggregate classification (germline): Uncertain significance (1 of 4 stars; one submission).

Conditions:
Supravalvar aortic stenosis (SVAS). Also called: Supravalvar aortic stenosis, Eisenberg type. Identifiers: Orphanet 3193, MedGen C0003499, MONDO:0008504, OMIM 185500, HP:0004381.

gnomAD v4.1: 1 of 1,610,464 alleles (0.000062%); highest among the groups gnomAD compares: Non-Finnish European, 0.000085%; no homozygotes.

Submission:

Labcorp Genetics (formerly Invitae), Labcorp
Classification: Uncertain significance for Supravalvar aortic stenosis. Last evaluated: 2022-12-20. Review status: criteria provided, single submitter. Criteria: Invitae Variant Classification Sherloc (09022015). Collection method: clinical testing. Allele origin: germline.
Comment: This sequence change replaces valine, which is neutral and non-polar, with alanine, which is neutral and non-polar, at codon 524 of the ELN protein (p.Val524Ala). This variant is not present in population databases (gnomAD no frequency). This variant has not been reported in the literature in individuals affected with ELN-related conditions. Advanced modeling of protein sequence and biophysical properties (such as structural, functional, and spatial information, amino acid conservation, physicochemical variation, residue mobility, and thermodynamic stability) performed at Invitae indicates that this missense variant is not expected to disrupt ELN protein function. In summary, the available evidence is currently insufficient to determine the role of this variant in disease. Therefore, it has been classified as a Variant of Uncertain Significance.